The following is an entry in ClinVar:

ClinVar aggregate classification (germline): Conflicting classifications of pathogenicity. Review status: criteria provided, conflicting classifications (1 of 4 stars). 3 submissions from 3 submitters: Uncertain significance (1); Likely benign (2). Last evaluated 2025-09-22.

Conditions:
Cardiac arrhythmia. Also called: Arrhythmia; Cardiac rhythm disease. Identifiers: MedGen C0003811, MONDO:0007263, HP:0011675.
Long QT syndrome (LQTS). Identifiers: MedGen C0023976, MeSH D008133, MONDO:0002442. Disease mechanism: loss of function. Inheritance: Various modes of inheritance.

Allele frequency attached by ClinVar (database versions not stated): TOPMed below 0.00001.

Submissions (3):

Color Diagnostics, LLC DBA Color Health
Classification: Uncertain significance for Cardiac arrhythmia. Last evaluated: 2025-09-22. Review status: criteria provided, single submitter. Criteria: ACMG Guidelines, 2015. Collection method: clinical testing. Allele origin: germline.
Comment: This variant is located in the KCNH2 protein. To our knowledge, functional studies have not been reported for this variant. This variant has not been reported in individuals affected with KCNH2-related disorders in the literature. This variant has been identified in 1/249426 chromosomes in the general population by the Genome Aggregation Database (gnomAD). The available evidence is insufficient to determine the role of this variant in disease conclusively. Therefore, this variant is classified as a Variant of Uncertain Significance.

Labcorp Genetics (formerly Invitae), Labcorp
Classification: Likely benign for Long QT syndrome. Last evaluated: 2024-09-17. Review status: criteria provided, single submitter. Criteria: Invitae Variant Classification Sherloc (09022015). Collection method: clinical testing. Allele origin: germline.

CeGaT Center for Human Genetics Tuebingen
Classification: Likely benign. Last evaluated: 2024-03-01. Review status: criteria provided, single submitter. Criteria: CeGaT Center For Human Genetics Tuebingen Variant Classification Criteria Version 2. Collection method: clinical testing. Allele origin: germline. Affected: yes. Observed: 1 variant allele.
Comment: KCNH2: BP4, BP7

NM_000238.4(KCNH2):c.3198G>T (p.Leu1066=)

Gene: KCNH2 (potassium voltage-gated channel subfamily H member 2; minus strand). Cytogenetic location: 7q36.1.
Variant type: single nucleotide variant.
Coding change: c.3198G>T on transcript NM_000238.4 (MANE Select); coding-DNA position 3198, G replaced by T.
Protein change: p.Leu1066=; no amino-acid change (leucine 1066 retained).
Molecular consequence: synonymous variant. On other transcripts: non-coding transcript variant (2).
Genome position (GRCh38, 1-based): chr7:150,947,009, C>A on the plus strand (G>T on the coding strand, the complement: KCNH2 is on the minus strand). VCF-style: chr7-150947009-C-A. GRCh37 (hg19) VCF-style: chr7-150644097-C-A.
Other names: c.2910G>T, p.Leu970= (NM_001406753.1); c.2178G>T, p.Leu726= (NM_172057.3).
Identifiers: ClinVar variation 3067556 (VCV003067556.24), dbSNP rs1217128941, ClinGen allele CA458644741.